The following is an entry in ClinVar:

NM_003737.4(DCHS1):c.7329C>A (p.Asp2443Glu)

Gene: DCHS1 (dachsous cadherin-related 1; minus strand). Cytogenetic location: 11p15.4.
Variant type: single nucleotide variant.
Coding change: c.7329C>A on transcript NM_003737.4 (MANE Select); coding-DNA position 7329, C replaced by A.
Protein change: p.Asp2443Glu; replaces aspartic acid 2443 with glutamic acid.
Molecular consequence: missense variant.
Genome position (GRCh38, 1-based): chr11:6,624,347, G>T on the plus strand (C>A on the coding strand, the complement: DCHS1 is on the minus strand). VCF-style: chr11-6624347-G-T. GRCh37 (hg19) VCF-style: chr11-6645578-G-T.
Other names: c.7329C>A (NM_003737.3); short protein forms D2443E.
Identifiers: ClinVar variation 1925422 (VCV001925422.6), dbSNP rs139345379, ClinGen allele CA379483299.
Genomic context (GRCh38, chr11:6,624,347, plus strand): 5'-TGCCCGGCCTGGAGCCCCGTGGTCTCGTGCTTCCAGCACCACATCCACTGCTCCTGACCC[G>T]TCATGGCCCAAGGCCACTGTTCCCACTATTGTGAACAGGGTCCCTGAGATGAGAACGGAA-3'
Protein context (NP_003728.1, residues 2433-2453): TIVGTVALGH[Asp2443Glu]GSGAVDVVLE

ClinVar aggregate classification (germline): Uncertain significance. Review status: criteria provided, single submitter (1 of 4 stars). 2 submissions from 2 submitters: Uncertain significance (1). 1 of the submissions does not count toward it. Last evaluated 2022-10-16.

Conditions:
DCHS1-related disorder. Also called: DCHS1-related condition.

gnomAD v4.1: 18 of 1,578,848 alleles (0.0011%); highest among the groups gnomAD compares: Non-Finnish European, 0.0015%; no homozygotes.

Submissions (2):

Labcorp Genetics (formerly Invitae), Labcorp
Classification: Uncertain significance. Last evaluated: 2022-10-16. Review status: criteria provided, single submitter. Criteria: Invitae Variant Classification Sherloc (09022015). Collection method: clinical testing. Allele origin: germline.
Comment: In summary, the available evidence is currently insufficient to determine the role of this variant in disease. Therefore, it has been classified as a Variant of Uncertain Significance. Advanced modeling of protein sequence and biophysical properties (such as structural, functional, and spatial information, amino acid conservation, physicochemical variation, residue mobility, and thermodynamic stability) performed at Invitae indicates that this missense variant is not expected to disrupt DCHS1 protein function. This variant has not been reported in the literature in individuals affected with DCHS1-related conditions. The frequency data for this variant in the population databases is considered unreliable, as metrics indicate poor data quality at this position in the gnomAD database. This sequence change replaces aspartic acid, which is acidic and polar, with glutamic acid, which is acidic and polar, at codon 2443 of the DCHS1 protein (p.Asp2443Glu).

PreventionGenetics, part of Exact Sciences
Classification: Uncertain significance for DCHS1-related condition. Last evaluated: 2024-04-05. Review status: no assertion criteria provided. Collection method: clinical testing. Allele origin: germline. Not counted in ClinVar's aggregate classification.
Comment: The DCHS1 c.7329C>A variant is predicted to result in the amino acid substitution p.Asp2443Glu. To our knowledge, this variant has not been reported in the literature. This variant is reported in 0.0025% of alleles in individuals of European (Non-Finnish) descent in gnomAD. At this time, the clinical significance of this variant is uncertain due to the absence of conclusive functional and genetic evidence.